The following is an entry in ClinVar:

NM_001113378.2(FANCI):c.2878C>G (p.Arg960Gly)

Gene: FANCI (FA complementation group I; plus strand). Cytogenetic location: 15q26.1.
Variant type: single nucleotide variant.
Coding change: c.2878C>G on transcript NM_001113378.2 (MANE Select); coding-DNA position 2878, C replaced by G.
Protein change: p.Arg960Gly; replaces arginine 960 with glycine.
Molecular consequence: missense variant.
Genome position (GRCh38, 1-based): chr15:89,300,374, C>G. VCF-style: chr15-89300374-C-G. GRCh37 (hg19) VCF-style: chr15-89843605-C-G.
Other names: c.2599C>G, p.Arg867Gly (NM_001376910.1); c.2878C>G, p.Arg960Gly (NM_001376911.1); c.2698C>G, p.Arg900Gly (NM_018193.3); short protein forms R867G, R900G, R960G.
Identifiers: ClinVar variation 3711464 (VCV003711464.2).

ClinVar aggregate classification (germline): Uncertain significance (1 of 4 stars; one submission).

Conditions:
Fanconi anemia (FA). Also called: Fanconi's anemia. Identifiers: Orphanet 84, MedGen C0015625, MeSH D005199, MONDO:0019391.

Submission:

Labcorp Genetics (formerly Invitae), Labcorp
Classification: Uncertain significance for Fanconi anemia. Last evaluated: 2024-11-09. Review status: criteria provided, single submitter. Criteria: Invitae Variant Classification Sherloc (09022015). Collection method: clinical testing. Allele origin: germline.
Comment: This sequence change replaces arginine, which is basic and polar, with glycine, which is neutral and non-polar, at codon 960 of the FANCI protein (p.Arg960Gly). This variant is not present in population databases (gnomAD no frequency). This variant has not been reported in the literature in individuals affected with FANCI-related conditions. Invitae Evidence Modeling of protein sequence and biophysical properties (such as structural, functional, and spatial information, amino acid conservation, physicochemical variation, residue mobility, and thermodynamic stability) indicates that this missense variant is expected to disrupt FANCI protein function with a positive predictive value of 80%. In summary, the available evidence is currently insufficient to determine the role of this variant in disease. Therefore, it has been classified as a Variant of Uncertain Significance.